The following is an entry in ClinVar:

NM_004006.3(DMD):c.2804-1G>C

Gene: DMD (dystrophin; minus strand). Cytogenetic location: Xp21.1.
Variant type: single nucleotide variant.
Coding change: c.2804-1G>C on transcript NM_004006.3 (MANE Select); the canonical splice acceptor site of the intron before coding-DNA position 2804, G replaced by C.
Molecular consequence: splice acceptor variant.
Genome position (GRCh38, 1-based): chrX:32,472,310, C>G on the plus strand (G>C on the coding strand, the complement: DMD is on the minus strand). VCF-style: chrX-32472310-C-G. GRCh37 (hg19) VCF-style: chrX-32490427-C-G.
Other names: c.2780-1G>C (NM_000109.4); c.2792-1G>C (NM_004009.3); c.2435-1G>C (NM_004010.3).
Identifiers: ClinVar variation 840853 (VCV000840853.14), dbSNP rs398123909, ClinGen allele CA412668288.

ClinVar aggregate classification (germline): Pathogenic. Review status: criteria provided, multiple submitters, no conflicts (2 of 4 stars). 3 submissions from 3 submitters: Pathogenic (3). Last evaluated 2024-10-11.

Conditions:
Duchenne muscular dystrophy (DMD). Also called: Duchenne Muscular Dystrophy (DMD); MUSCULAR DYSTROPHY, PSEUDOHYPERTROPHIC PROGRESSIVE, DUCHENNE TYPE. Identifiers: Orphanet 98896, MedGen C0013264, MONDO:0010679, OMIM 310200.
Becker muscular dystrophy, Cardiomyopathy, Duchenne muscular dystrophy, Dystrophin deficiency.

Submissions (3):

Natera, Inc.
Classification: Pathogenic for Becker muscular dystrophy, Cardiomyopathy, Duchenne muscular dystrophy, Dystrophin deficiency. Last evaluated: 2024-10-11. Review status: criteria provided, single submitter. Criteria: Natera Variant Classification Schema (03/2026). Collection method: clinical testing. Allele origin: germline.
Comment: The c.2804-1G>C variant in DMD is a canonical splice acceptor site variant predicted to affect pre-mRNA splicing, which may result in an abnormal transcript and altered protein product. This variant is expected to result in nonsense mediated decay, truncation, or a dysfunctional protein product. This variant is rare in the general population with a frequency below the threshold expected for the associated phenotype(s). Another variant at this same site results in an alteration predicted to cause a similar molecular effect has been observed in individual(s) with the associated phenotype. Given the available evidence, this variant is classified as Pathogenic.

Labcorp Genetics (formerly Invitae), Labcorp
Classification: Pathogenic for Duchenne muscular dystrophy. Last evaluated: 2023-09-29. Review status: criteria provided, single submitter. Criteria: Invitae Variant Classification Sherloc (09022015). Collection method: clinical testing. Allele origin: germline.
Comment: This sequence change affects an acceptor splice site in intron 21 of the DMD gene. It is expected to disrupt RNA splicing. Variants that disrupt the donor or acceptor splice site typically lead to a loss of protein function (PMID: 16199547), and loss-of-function variants in DMD are known to be pathogenic (PMID: 16770791, 25007885). This variant is not present in population databases (gnomAD no frequency). Disruption of this splice site has been observed in individuals with Becker or Duchenne muscular dystrophy (PMID: 17041906, 20485447, 27593222, 28859693, 29973226). ClinVar contains an entry for this variant (Variation ID: 840853). Algorithms developed to predict the effect of sequence changes on RNA splicing suggest that this variant may disrupt the consensus splice site. For these reasons, this variant has been classified as Pathogenic.

Revvity Omics, Revvity
Classification: Pathogenic. Last evaluated: 2020-01-21. Review status: criteria provided, single submitter. Criteria: ACMG Guidelines, 2015. Collection method: clinical testing. Allele origin: germline.

Literature cited by the submitters: PubMed 16199547 (cited by Labcorp Genetics (formerly Invitae), Labcorp); PubMed 16770791 (cited by Labcorp Genetics (formerly Invitae), Labcorp); PubMed 25007885 (cited by Labcorp Genetics (formerly Invitae), Labcorp); PubMed 17041906 (cited by Labcorp Genetics (formerly Invitae), Labcorp); PubMed 20485447 (cited by Labcorp Genetics (formerly Invitae), Labcorp); PubMed 27593222 (cited by Labcorp Genetics (formerly Invitae), Labcorp); PubMed 28859693 (cited by Labcorp Genetics (formerly Invitae), Labcorp); PubMed 29973226 (cited by Labcorp Genetics (formerly Invitae), Labcorp).